The following is an entry in ClinVar:

ClinVar aggregate classification (germline): Uncertain significance (3 of 4 stars; one submission).

Conditions:
Creatine transporter deficiency (CCDS1). Also called: CEREBRAL CREATINE DEFICIENCY SYNDROME 1; Mental retardation , X-linked with seizures, short stature and midface hypoplasia; Mental retardation , X-linked, with creatine transport deficiency; X-linked creatine transporter deficiency; X-linked creatine deficiency syndrome; SLC6A8-Related Creatine Transporter Deficiency. Identifiers: Orphanet 52503, MedGen C1845862, MONDO:0010305, OMIM 300352.

gnomAD v4.1: 1 of 1,211,695 alleles (0.000083%); highest among the groups gnomAD compares: South Asian, 0.0018%; no homozygotes.

Submission:

ClinGen Cerebral Creatine Deficiency Syndromes Variant Curation Expert Panel, ClinGen
Classification: Uncertain significance for Creatine transporter deficiency. Last evaluated: 2024-04-11. Review status: reviewed by expert panel. Criteria: ClinGen_CCDS_ACMG_Specifications_SLC6A8_v1.1. Collection method: curation. Allele origin: germline. Inheritance: X-linked inheritance.
Comment: The NM_005629.4:c.942C>G variant in SLC6A8 is a missense variant predicted to cause a substitution of a phenylalanine for a leucine at amino acid position 314 (p.Phe314Leu). This variant has been reported in a heterozygous (carrier) female individual in the Exome Variant Server database without further phenotypic information provided (PMID: 25861866); thus, neither BS2 nor PP4 apply. This variant was reported to result in ≥50% of wild-type creatine transporter activity (PMID: 25861866) but experiment did not use physiological creatine concentrations (≤125μM creatine) so BS3 is not met (PMID: 25861866) (BS3_Supporting). In gnomAD v2.1.1, the highest population minor allele frequency is 0.0000766 (1/13055 alleles) in the African/African American population, which is lower than the ClinGen CCDS VCEP’s threshold for PM2_Supporting (<0.00002), and there are no hemizygotes, meeting this criterion (PM2_Supporting). The computational predictor REVEL gives a score of 0.303, which is neither above nor below the thresholds predicting a damaging (>0.75) or benign (<0.2) impact on SLC6A8 function. In summary, this variant meets criteria to be classified as a variant of uncertain significance for creatine transporter deficiency. SLC6A8-specific criteria applied, as specified by the ClinGen CCDS VCEP (Specifications Version 1.1.0): PM2_Supporting. (Classification approved by the ClinGen CCDS VCEP on April 11, 2024)

NM_005629.4(SLC6A8):c.942C>G (p.Phe314Leu)

Gene: SLC6A8 (solute carrier family 6 member 8; plus strand). Cytogenetic location: Xq28.
Variant type: single nucleotide variant.
Coding change: c.942C>G on transcript NM_005629.4 (MANE Select); coding-DNA position 942, C replaced by G.
Protein change: p.Phe314Leu; replaces phenylalanine 314 with leucine.
Molecular consequence: missense variant.
Genome position (GRCh38, 1-based): chrX:153,693,292, C>G. VCF-style: chrX-153693292-C-G. GRCh37 (hg19) VCF-style: chrX-152958747-C-G.
Other names: NM_001142805.2:c.942C>G; c.942C>G, p.Phe314Leu (NM_001142805.2); c.597C>G, p.Phe199Leu (NM_001142806.1); short protein forms F199L, F314L.
Identifiers: ClinVar variation 3256147 (VCV003256147.1).
Genomic context (GRCh38, chrX:153,693,292, plus strand): 5'-CTCATGCCTGCGCTCTCCGGCCCTTCTCTAGGTGTGGATAGATGCGGGGACCCAGATTTT[C>G]TTTTCTTACGCCATTGGCCTGGGGGCCCTCACAGCCCTGGGCAGCTACAACCGCTTCAAC-3'
Protein context (NP_005620.1, residues 304-324): QVWIDAGTQI[Phe314Leu]FSYAIGLGAL